The following is an entry in ClinVar:

NM_001375834.1(WIPF1):c.253G>T (p.Gly85Cys)

Genes: WIPF1 (WAS/WASL interacting protein family member 1; minus strand), WIPF1-AS1 (WIPF1 and CHRNA1 antisense RNA 1; plus strand). Cytogenetic location: 2q31.1.
Variant type: single nucleotide variant.
Coding change: c.253G>T on transcript NM_001375834.1 (MANE Select); coding-DNA position 253, G replaced by T.
Protein change: p.Gly85Cys; replaces glycine 85 with cysteine.
Molecular consequence: missense variant. On other transcripts: intron variant (1).
Genome position (GRCh38, 1-based): chr2:174,575,309, C>A on the plus strand (G>T on the coding strand, the complement: WIPF1 is on the minus strand). VCF-style: chr2-174575309-C-A. GRCh37 (hg19) VCF-style: chr2-175440037-C-A.
Other names: c.253G>T, p.Gly85Cys (NM_001077269.1, NM_001375832.1, NM_001375833.1 and 5 more transcripts); c.182-3064G>T (NM_001375839.1); short protein forms G85C.
Identifiers: ClinVar variation 1985889 (VCV001985889.5), dbSNP rs913789975, ClinGen allele CA60845822.

ClinVar aggregate classification (germline): Uncertain significance. Review status: criteria provided, multiple submitters, no conflicts (2 of 4 stars). 2 submissions from 2 submitters: Uncertain significance (2). Last evaluated 2025-06-17.

Conditions:
Wiskott-Aldrich syndrome 2 (WAS2). Also called: WIPF1 DEFICIENCY. Identifiers: Orphanet 906, MedGen C3281001, MONDO:0013779, OMIM 614493.
Inborn genetic diseases. Identifiers: MedGen C0950123, MeSH D030342.

gnomAD v4.1: 2 of 1,613,846 alleles (0.00012%); highest among the groups gnomAD compares: African/African-American, 0.0027%; no homozygotes.

Submissions (2):

Ambry Genetics
Classification: Uncertain significance for Inborn genetic diseases. Last evaluated: 2025-06-17. Review status: criteria provided, single submitter. Criteria: Ambry Variant Classification Scheme 2023. Collection method: clinical testing. Allele origin: germline.

Labcorp Genetics (formerly Invitae), Labcorp
Classification: Uncertain significance for Wiskott-Aldrich syndrome 2. Last evaluated: 2022-02-19. Review status: criteria provided, single submitter. Criteria: Invitae Variant Classification Sherloc (09022015). Collection method: clinical testing. Allele origin: germline.
Comment: In summary, the available evidence is currently insufficient to determine the role of this variant in disease. Therefore, it has been classified as a Variant of Uncertain Significance. Algorithms developed to predict the effect of missense changes on protein structure and function are either unavailable or do not agree on the potential impact of this missense change (SIFT: "Not Available"; PolyPhen-2: "Possibly Damaging"; Align-GVGD: "Not Available"). This variant has not been reported in the literature in individuals affected with WIPF1-related conditions. This variant is present in population databases (no rsID available, gnomAD 0.007%). This sequence change replaces glycine, which is neutral and non-polar, with cysteine, which is neutral and slightly polar, at codon 85 of the WIPF1 protein (p.Gly85Cys).